The following is an entry in ClinVar:

NM_152703.5(SAMD9L):c.2200G>A (p.Ala734Thr)

Gene: SAMD9L (sterile alpha motif domain containing 9 like; minus strand). Cytogenetic location: 7q21.2.
Variant type: single nucleotide variant.
Coding change: c.2200G>A on transcript NM_152703.5 (MANE Select); coding-DNA position 2200, G replaced by A.
Protein change: p.Ala734Thr; replaces alanine 734 with threonine.
Molecular consequence: missense variant.
Genome position (GRCh38, 1-based): chr7:93,133,772, C>T on the plus strand (G>A on the coding strand, the complement: SAMD9L is on the minus strand). VCF-style: chr7-93133772-C-T. GRCh37 (hg19) VCF-style: chr7-92763085-C-T.
Other names: c.2200G>A, p.Ala734Thr (NM_001303496.3, NM_001303497.3, NM_001303498.3 and 5 more transcripts); c.2200G>A (NM_152703.3, NM_152703.2); short protein forms A734T.
Identifiers: ClinVar variation 1985232 (VCV001985232.6), dbSNP rs2535422081, ClinGen allele CA368192220.

ClinVar aggregate classification (germline): Uncertain significance. Review status: criteria provided, multiple submitters, no conflicts (2 of 4 stars). 3 submissions from 3 submitters: Uncertain significance (3). Last evaluated 2025-07-20.

Conditions:
Inborn genetic diseases. Identifiers: MedGen C0950123, MeSH D030342.

Submissions (3):

Ambry Genetics
Classification: Uncertain significance for Inborn genetic diseases. Last evaluated: 2025-07-20. Review status: criteria provided, single submitter. Criteria: Ambry Variant Classification Scheme 2023. Collection method: clinical testing. Allele origin: germline.
Comment: The p.A734T variant (also known as c.2200G>A), located in coding exon 1 of the SAMD9L gene, results from a G to A substitution at nucleotide position 2200. The alanine at codon 734 is replaced by threonine, an amino acid with similar properties. This amino acid position is conserved. In addition, this alteration is predicted to be tolerated by in silico analysis. Based on the available evidence, the clinical significance of this variant remains unclear.

GeneDx
Classification: Uncertain significance. Last evaluated: 2024-06-24. Review status: criteria provided, single submitter. Criteria: GeneDx Variant Classification Process June 2021. Collection method: clinical testing. Allele origin: germline. Affected: yes.
Comment: Not observed at significant frequency in large population cohorts (gnomAD); In silico analysis indicates that this missense variant does not alter protein structure/function; Has not been previously published as pathogenic or benign to our knowledge; This variant is associated with the following publications: (PMID: 28545555)

Labcorp Genetics (formerly Invitae), Labcorp
Classification: Uncertain significance. Last evaluated: 2024-06-19. Review status: criteria provided, single submitter. Criteria: Invitae Variant Classification Sherloc (09022015). Collection method: clinical testing. Allele origin: germline.
Comment: This sequence change replaces alanine, which is neutral and non-polar, with threonine, which is neutral and polar, at codon 734 of the SAMD9L protein (p.Ala734Thr). This variant is not present in population databases (gnomAD no frequency). This variant has not been reported in the literature in individuals affected with SAMD9L-related conditions. ClinVar contains an entry for this variant (Variation ID: 1985232). Advanced modeling of protein sequence and biophysical properties (such as structural, functional, and spatial information, amino acid conservation, physicochemical variation, residue mobility, and thermodynamic stability) performed at Invitae indicates that this missense variant is not expected to disrupt SAMD9L protein function with a negative predictive value of 80%. In summary, the available evidence is currently insufficient to determine the role of this variant in disease. Therefore, it has been classified as a Variant of Uncertain Significance.